The following is an entry in ClinVar:

ClinVar aggregate classification (germline): Uncertain significance (1 of 4 stars; one submission).

Conditions:
Cardioencephalomyopathy, fatal infantile, due to cytochrome c oxidase deficiency 2 (MC4DN6). Also called: MITOCHONDRIAL COMPLEX IV DEFICIENCY, NUCLEAR TYPE 6. Identifiers: Orphanet 1561, MedGen C3554534, MONDO:0014051, OMIM 615119.

gnomAD v4.1: 5 of 1,600,554 alleles (0.00031%); highest among the groups gnomAD compares: Non-Finnish European, 0.00043%; no homozygotes.

Submission:

3billion
Classification: Uncertain significance for Cardioencephalomyopathy, fatal infantile, due to cytochrome c oxidase deficiency 2. Last evaluated: 2024-06-02. Review status: criteria provided, single submitter. Criteria: ACMG Guidelines, 2015. Collection method: clinical testing. Allele origin: germline. Affected: yes.
Comment: The variant is observed at an extremely low frequency in the gnomAD v4.0.0 dataset (total allele frequency: <0.001%). Predicted Consequence/Location: The majority of the known disease-causing variants of this gene are variants expected to result in premature termination of the protein. Functional studies provide moderate evidence of the variant having a damaging effect on the gene or gene product (PMID: 15863660). In silico tool predictions suggest damaging effect of the variant on gene or gene product [REVEL: 0.84 (>=0.6, sensitivity 0.68 and specificity 0.92)]. The same nucleotide change resulting in the same amino acid change has been previously reported to be associated with COX15-related disorder (ClinVar ID: VCV000040258 /PMID: 15863660). However, the evidence of pathogenicity is insufficient at this time. Therefore, this variant is classified as Likely pathogenic according to the recommendation of ACMG/AMP guideline.

NM_078470.6(COX15):c.1101+3A>G

Gene: COX15 (cytochrome c oxidase assembly factor COX15; minus strand). Cytogenetic location: 10q24.2.
Variant type: single nucleotide variant.
Coding change: c.1101+3A>G on transcript NM_078470.6 (MANE Select); 3 bases into the intron after coding-DNA position 1101, A replaced by G.
Molecular consequence: intron variant.
Genome position (GRCh38, 1-based): chr10:99,716,345, T>C on the plus strand (A>G on the coding strand, the complement: COX15 is on the minus strand). VCF-style: chr10-99716345-T-C. GRCh37 (hg19) VCF-style: chr10-101476102-T-C.
Other names: c.1101+3A>G (NM_001320974.2, NM_004376.7, NM_001372024.1); c.564+3A>G (NM_001320976.2); c.1074+3A>G (NM_001372026.1); c.*49+3A>G (NM_001372028.1, NM_001320975.2); c.1091+13A>G (NM_001372027.1); c.1119+3A>G (NM_001372025.1).
Identifiers: ClinVar variation 4293463 (VCV004293463.1).